The following is an entry in ClinVar:

NM_170606.3(KMT2C):c.7952A>G (p.His2651Arg)

Gene: KMT2C (lysine methyltransferase 2C; minus strand). Cytogenetic location: 7q36.1.
Variant type: single nucleotide variant.
Coding change: c.7952A>G on transcript NM_170606.3 (MANE Select); coding-DNA position 7952, A replaced by G.
Protein change: p.His2651Arg; replaces histidine 2651 with arginine.
Molecular consequence: missense variant.
Genome position (GRCh38, 1-based): chr7:152,177,501, T>C on the plus strand (A>G on the coding strand, the complement: KMT2C is on the minus strand). VCF-style: chr7-152177501-T-C. GRCh37 (hg19) VCF-style: chr7-151874586-T-C.
Other names: short protein forms H2651R.
Identifiers: ClinVar variation 2505706 (VCV002505706.1), dbSNP rs2487772223, ClinGen allele CA370083933.
Genomic context (GRCh38, chr7:152,177,501, plus strand): 5'-GTTGTTTCAGACGGTACAGATGTTGACAAAGGAGCTTCTGAAAATTCACCACCTAGTGGA[T>C]GGTTCAGAGTCCTCATGACCATAGAAGATGAATGGACAGAATGACCTTGCTCTTGTTGAG-3'
Protein context (NP_733751.2, residues 2641-2661): SSSMVMRTLN[His2651Arg]PLGGEFSEAP

ClinVar aggregate classification (germline): Uncertain significance (1 of 4 stars; one submission).

Allele frequency attached by ClinVar (database versions not stated): gnomAD exomes below 0.00001.
gnomAD v4.1: 2 of 1,614,226 alleles (0.00012%); highest among the groups gnomAD compares: Non-Finnish European, 0.00017%; no homozygotes.

Submission:

GeneDx
Classification: Uncertain significance. Last evaluated: 2022-12-15. Review status: criteria provided, single submitter. Criteria: GeneDx Variant Classification Process June 2021. Collection method: clinical testing. Allele origin: germline. Affected: yes.
Comment: Not observed at significant frequency in large population cohorts (gnomAD); In silico analysis supports that this missense variant does not alter protein structure/function; Has not been previously published as pathogenic or benign to our knowledge